The following is an entry in ClinVar:

ClinVar aggregate classification (germline): Uncertain significance (1 of 4 stars; one submission).

Conditions:
Inborn genetic diseases. Identifiers: MedGen C0950123, MeSH D030342.

gnomAD v4.1: 3 of 1,613,530 alleles (0.00019%); highest among the groups gnomAD compares: Non-Finnish European, 0.00017%; no homozygotes.

Submission:

Ambry Genetics
Classification: Uncertain significance for Inborn genetic diseases. Last evaluated: 2024-06-09. Review status: criteria provided, single submitter. Criteria: Ambry Variant Classification Scheme 2023. Collection method: clinical testing. Allele origin: germline.
Comment: The p.Y1739C variant (also known as c.5216A>G), located in coding exon 36 of the LRRK2 gene, results from an A to G substitution at nucleotide position 5216. The tyrosine at codon 1739 is replaced by cysteine, an amino acid with highly dissimilar properties. This amino acid position is conserved. In addition, this alteration is predicted to be deleterious by in silico analysis. Based on the available evidence, the clinical significance of this variant remains unclear.

NM_198578.4(LRRK2):c.5216A>G (p.Tyr1739Cys)

Gene: LRRK2 (leucine rich repeat kinase 2; plus strand). Cytogenetic location: 12q12.
Variant type: single nucleotide variant.
Coding change: c.5216A>G on transcript NM_198578.4 (MANE Select); coding-DNA position 5216, A replaced by G.
Protein change: p.Tyr1739Cys; replaces tyrosine 1739 with cysteine.
Molecular consequence: missense variant.
Genome position (GRCh38, 1-based): chr12:40,322,080, A>G. VCF-style: chr12-40322080-A-G. GRCh37 (hg19) VCF-style: chr12-40715882-A-G.
Other names: short protein forms Y1739C.
Identifiers: ClinVar variation 3291896 (VCV003291896.1).
Genomic context (GRCh38, chr12:40,322,080, plus strand): 5'-GGCTCCATTTTTTAGAACGAGCACTTCGCCCAAACAGAATGTATTGGCGACAAGGCATTT[A>G]CTTAAATTGGTCTCCTGAAGCTTATTGTCTGGTAGGATCTGAAGTCTTAGACAATCATCC-3'
Protein context (NP_940980.4, residues 1729-1749): PNRMYWRQGI[Tyr1739Cys]LNWSPEAYCL